The following is an entry in ClinVar:

NM_001013838.3(CARMIL2):c.887_897delinsTGTTGTCCTG (p.Ser296fs)

Gene: CARMIL2 (capping protein regulator and myosin 1 linker 2; plus strand). Cytogenetic location: 16q22.1.
Variant type: Indel.
Coding change: c.887_897delinsTGTTGTCCTG on transcript NM_001013838.3 (MANE Select); coding-DNA positions 887 to 897, GCAGACACCTC replaced by TGTTGTCCTG.
Protein change: p.Ser296fs; shifts the reading frame from serine 296.
Molecular consequence: frameshift variant.
Genome position (GRCh38, 1-based): chr16:67,647,695-67,647,705, GCAGACACCTC replaced by TGTTGTCCTG. VCF-style: chr16-67647695-GCAGACACCTC-TGTTGTCCTG. GRCh37 (hg19) VCF-style: chr16-67681598-GCAGACACCTC-TGTTGTCCTG.
Other names: c.887_897delinsTGTTGTCCTG, p.Ser296fs (NM_001317026.3); short protein forms S296fs.
Identifiers: ClinVar variation 1701294 (VCV001701294.31), dbSNP rs2142916354, ClinGen allele CA2580091804.

ClinVar aggregate classification (germline): Pathogenic (1 of 4 stars; one submission).

Submission:

CeGaT Center for Human Genetics Tuebingen
Classification: Pathogenic. Last evaluated: 2022-04-01. Review status: criteria provided, single submitter. Criteria: CeGaT Center For Human Genetics Tuebingen Variant Classification Criteria Version 2. Collection method: clinical testing. Allele origin: germline. Affected: yes. Observed: 2 variant alleles.
Comment: CARMIL2: PVS1, PM2, PM3, PP4:Moderate